The following is an entry in ClinVar:

ClinVar aggregate classification (germline): Uncertain significance (1 of 4 stars; one submission).

Conditions:
Brugada syndrome. Also called: Sudden unexpected nocturnal death syndrome; Sudden unexplained nocturnal death syndrome; Sudden Unexplained Death Syndrome; Sudden Unexplained Nocturnal Death Syndrome (SUNDS). Identifiers: Orphanet 130, MedGen C1142166, MONDO:0015263.

Submission:

Labcorp Genetics (formerly Invitae), Labcorp
Classification: Uncertain significance for Brugada syndrome. Last evaluated: 2020-08-19. Review status: criteria provided, single submitter. Criteria: Invitae Variant Classification Sherloc (09022015). Collection method: clinical testing. Allele origin: germline.
Comment: This variant has not been reported in the literature in individuals with SCN10A-related conditions. In summary, the available evidence is currently insufficient to determine the role of this variant in disease. Therefore, it has been classified as a Variant of Uncertain Significance. The current clinical and genetic evidence is not sufficient to establish whether loss-of-function variants in SCN10A cause disease. This variant is not present in population databases (ExAC no frequency). This sequence change creates a premature translational stop signal (p.Cys310Valfs*44) in the SCN10A gene. It is expected to result in an absent or disrupted protein product.

NM_006514.4(SCN10A):c.927del (p.Cys310fs)

Gene: SCN10A (sodium voltage-gated channel alpha subunit 10; minus strand). Cytogenetic location: 3p22.2.
Variant type: Deletion.
Coding change: c.927del on transcript NM_006514.4 (MANE Select); coding-DNA position 927, one base deleted (G; older notation c.927delG).
Protein change: p.Cys310fs; shifts the reading frame from cysteine 310.
Molecular consequence: frameshift variant.
Genome position (GRCh38, 1-based): chr3:38,760,704, C deleted on the plus strand (G on the coding strand, the reverse complement: SCN10A is on the minus strand). VCF-style (leftmost placement, unchanged base first): chr3-38760703-AC-A. GRCh37 (hg19) VCF-style: chr3-38802194-AC-A.
Other names: c.927del, p.Cys310fs (NM_001293306.2, NM_001293307.2); short protein forms C310fs.
Identifiers: ClinVar variation 1041396 (VCV001041396.5), dbSNP rs2063859649, ClinGen allele CA1358657248.